The following is an entry in ClinVar:

NM_201525.4(ADGRG1):c.*928G>A

Gene: ADGRG1 (adhesion G protein-coupled receptor G1; plus strand). Cytogenetic location: 16q21.
Variant type: single nucleotide variant.
Coding change: c.*928G>A on transcript NM_201525.4 (MANE Select); 928 bases downstream of the stop codon, G replaced by A.
Molecular consequence: 3 prime UTR variant.
Genome position (GRCh38, 1-based): chr16:57,664,510, G>A. VCF-style: chr16-57664510-G-A. GRCh37 (hg19) VCF-style: chr16-57698422-G-A.
Other names: c.*928G>A (NM_001145770.3, NM_001145771.3, NM_001145772.3 and 25 more transcripts).
Identifiers: ClinVar variation 888183 (VCV000888183.4), dbSNP rs76377903, ClinGen allele CA281584531.

ClinVar aggregate classification (germline): Benign (1 of 4 stars; one submission).

Conditions:
Bilateral frontoparietal polymicrogyria. Also called: CEREBELLAR ATAXIA WITH NEURONAL MIGRATION DEFECT; CORTICAL DYSPLASIA, COMPLEX, WITH OTHER BRAIN MALFORMATIONS 14A (BILATERAL FRONTOPARIETAL). Identifiers: Orphanet 101070, MedGen C1847352, MONDO:0011738, OMIM 606854.

Allele frequency attached by ClinVar (database versions not stated): 1000 Genomes Project 30x 0.00703; gnomAD exomes 0.00752; 1000 Genomes Project 0.00819; TOPMed 0.01142; gnomAD 0.01378 and 0.01406.

Submission:

Illumina Laboratory Services, Illumina
Classification: Benign for Bilateral frontoparietal polymicrogyria. Last evaluated: 2018-01-12. Review status: criteria provided, single submitter. Criteria: ICSL Variant Classification Criteria 13 December 2019. Collection method: clinical testing. Allele origin: germline.
Comment: This variant was observed in the ICSL laboratory as part of a predisposition screen in an ostensibly healthy population. It had not been previously curated by ICSL or reported in the Human Gene Mutation Database (HGMD: prior to June 1st, 2018), and was therefore a candidate for classification through an automated scoring system. Utilizing variant allele frequency, disease prevalence and penetrance estimates, and inheritance mode, an automated score was calculated to assess if this variant is too frequent to cause the disease. Based on the score and internal cut-off values, a variant classified as benign is not then subjected to further curation. The score for this variant resulted in a classification of benign for this disease.